The following is an entry in ClinVar:

ClinVar aggregate classification (germline): Likely pathogenic (1 of 4 stars; one submission).

Conditions:
Neu-Laxova syndrome 2. Identifiers: Orphanet 2671, Orphanet 583602, MedGen C4015019, MONDO:0014466, OMIM 616038.

Submission:

Labcorp Genetics (formerly Invitae), Labcorp
Classification: Likely pathogenic for Neu-Laxova syndrome 2. Last evaluated: 2021-07-28. Review status: criteria provided, single submitter. Criteria: Invitae Variant Classification Sherloc (09022015). Collection method: clinical testing. Allele origin: germline.
Comment: In summary, the currently available evidence indicates that the variant is pathogenic, but additional data are needed to prove that conclusively. Therefore, this variant has been classified as Likely Pathogenic. Algorithms developed to predict the effect of sequence changes on RNA splicing suggest that this variant may disrupt the consensus splice site. This variant has not been reported in the literature in individuals affected with PSAT1-related conditions. This variant is not present in population databases (ExAC no frequency). This sequence change affects a splice site in intron 5 of the PSAT1 gene. It is expected to disrupt RNA splicing. Variants that disrupt the donor or acceptor splice site typically lead to a loss of protein function (PMID: 16199547), and loss-of-function variants in PSAT1 are known to be pathogenic (PMID: 17436247, 25152457).

Literature cited by the submitters: PubMed 16199547; PubMed 17436247; PubMed 25152457.

NM_058179.4(PSAT1):c.570+2_570+15del

Gene: PSAT1 (phosphoserine aminotransferase 1; plus strand). Cytogenetic location: 9q21.2.
Variant type: Deletion.
Coding change: c.570+2_570+15del on transcript NM_058179.4 (MANE Select); the canonical splice donor site of the intron after coding-DNA position 570 through 15 bases into the intron after coding-DNA position 570, 14 bases deleted (TAGAGTATAAAAGG).
Molecular consequence: splice donor variant.
Genome position (GRCh38, 1-based): chr9:78,306,488-78,306,501, TAGAGTATAAAAGG deleted; deleting any 14 consecutive bases within chr9:78,306,484-78,306,501 gives the same sequence; the c. name uses the placement nearest the transcript's 3' end. VCF-style (leftmost placement, unchanged base first): chr9-78306483-CAAGGTAGAGTATAA-C. GRCh37 (hg19) VCF-style: chr9-80921399-CAAGGTAGAGTATAA-C.
Other names: c.570+2_570+15del (NM_021154.5).
Identifiers: ClinVar variation 1349393 (VCV001349393.6), dbSNP rs2118643983, ClinGen allele CA2573144752.